The following is an entry in ClinVar:

ClinVar aggregate classification (germline): Uncertain significance. Review status: criteria provided, multiple submitters, no conflicts (2 of 4 stars). 2 submissions from 2 submitters: Uncertain significance (2). Last evaluated 2023-10-05.

Conditions:
Hereditary cancer-predisposing syndrome. Also called: Hereditary Cancer Syndrome; Hereditary neoplastic syndrome; Neoplastic Syndromes, Hereditary; Tumor predisposition. Identifiers: Orphanet 140162, MedGen C0027672, MeSH D009386, MONDO:0015356.

Submissions (2):

Labcorp Genetics (formerly Invitae), Labcorp
Classification: Uncertain significance. Last evaluated: 2023-10-05. Review status: criteria provided, single submitter. Criteria: Invitae Variant Classification Sherloc (09022015). Collection method: clinical testing. Allele origin: germline.
Comment: This sequence change replaces glutamic acid, which is acidic and polar, with lysine, which is basic and polar, at codon 35 of the NTHL1 protein (p.Glu35Lys). This variant is not present in population databases (gnomAD no frequency). This variant has not been reported in the literature in individuals affected with NTHL1-related conditions. ClinVar contains an entry for this variant (Variation ID: 1773733). Algorithms developed to predict the effect of missense changes on protein structure and function output the following: SIFT: "Not Available"; PolyPhen-2: "Benign"; Align-GVGD: "Not Available". The lysine amino acid residue is found in multiple mammalian species, which suggests that this missense change does not adversely affect protein function. In summary, the available evidence is currently insufficient to determine the role of this variant in disease. Therefore, it has been classified as a Variant of Uncertain Significance.

Ambry Genetics
Classification: Uncertain significance for Hereditary cancer-predisposing syndrome. Last evaluated: 2023-07-10. Review status: criteria provided, single submitter. Criteria: Ambry Variant Classification Scheme 2023. Collection method: clinical testing. Allele origin: germline.
Comment: The p.E35K variant (also known as c.103G>A), located in coding exon 1 of the NTHL1 gene, results from a G to A substitution at nucleotide position 103. The glutamic acid at codon 35 is replaced by lysine, an amino acid with similar properties. This amino acid position is poorly conserved in available vertebrate species. In addition, this alteration is predicted to be tolerated by in silico analysis. Since supporting evidence is limited at this time, the clinical significance of this alteration remains unclear.

NM_002528.7(NTHL1):c.79G>A (p.Glu27Lys)

Gene: NTHL1 (nth like DNA glycosylase 1; minus strand). Cytogenetic location: 16p13.3.
Variant type: single nucleotide variant.
Coding change: c.79G>A on transcript NM_002528.7 (MANE Select); coding-DNA position 79, G replaced by A.
Protein change: p.Glu27Lys; replaces glutamic acid 27 with lysine.
Molecular consequence: missense variant. On other transcripts: 5 prime UTR variant (1).
Genome position (GRCh38, 1-based): chr16:2,047,745, C>T on the plus strand (G>A on the coding strand, the complement: NTHL1 is on the minus strand). VCF-style: chr16-2047745-C-T. GRCh37 (hg19) VCF-style: chr16-2097746-C-T.
Other names: c.79G>A, p.Glu27Lys (NM_001318193.2); c.-100G>A (NM_001318194.2); short protein forms E27K.
Identifiers: ClinVar variation 1773733 (VCV001773733.8), dbSNP rs2084517936, ClinGen allele CA394298346.